The following is an entry in ClinVar:

NM_194248.3(OTOF):c.2039G>A (p.Gly680Glu)

Gene: OTOF (otoferlin; minus strand). Cytogenetic location: 2p23.3.
Variant type: single nucleotide variant.
Coding change: c.2039G>A on transcript NM_194248.3 (MANE Select); coding-DNA position 2039, G replaced by A.
Protein change: p.Gly680Glu; replaces glycine 680 with glutamic acid.
Molecular consequence: missense variant.
Genome position (GRCh38, 1-based): chr2:26,479,527, C>T on the plus strand (G>A on the coding strand, the complement: OTOF is on the minus strand). VCF-style: chr2-26479527-C-T. GRCh37 (hg19) VCF-style: chr2-26702395-C-T.
Other names: c.2039G>A (NM_194248.2); c.2039G>A, p.Gly680Glu (NM_001287489.2); short protein forms G680E.
Identifiers: ClinVar variation 1049624 (VCV001049624.5), dbSNP rs751952710, ClinGen allele CA1564082.

ClinVar aggregate classification (germline): Uncertain significance. Review status: criteria provided, single submitter (1 of 4 stars). 2 submissions from 2 submitters: Uncertain significance (1). 1 of the submissions does not count toward it. Last evaluated 2025-10-23.

Conditions:
Inborn genetic diseases. Identifiers: MedGen C0950123, MeSH D030342.

Allele frequency attached by ClinVar (database versions not stated): gnomAD exomes below 0.00001 and 0.00003; TOPMed 0.00001; gnomAD 0.00003; ExAC 0.00001.
gnomAD v4.1: 45 of 1,607,026 alleles (0.0028%); highest among the groups gnomAD compares: Non-Finnish European, 0.0036%; no homozygotes.

Submissions (2):

Ambry Genetics
Classification: Uncertain significance for Inborn genetic diseases. Last evaluated: 2025-10-23. Review status: criteria provided, single submitter. Criteria: Ambry Variant Classification Scheme 2023. Collection method: clinical testing. Allele origin: germline.

Department of Pathology and Laboratory Medicine, Sinai Health System
Classification: Uncertain significance. Review status: no assertion criteria provided. Collection method: clinical testing. Allele origin: unknown. Affected: yes. Study: The Canadian Open Genetics Repository (COGR). Not counted in ClinVar's aggregate classification.
Comment: The OTOF p.Gly680Glu variant was not identified in the literature nor was it identified in ClinVar, Cosmic or LOVD 3.0. The variant was identified in dbSNP (ID: rs751952710) and in control databases in 4 of 265828 chromosomes at a frequency of 0.000015 (Genome Aggregation Database Feb 27, 2017). The variant was observed in the European (non-Finnish) population in 4 of 120016 chromosomes (freq: 0.000033); it was not observed in the African, Latino, Ashkenazi Jewish, East Asian, European (Finnish), Other or South Asian populations. The p.Gly680 residue is conserved in mammals and computational analyses (PolyPhen-2, SIFT, AlignGVGD, BLOSUM, MutationTaster) provide inconsistent predictions regarding the impact to the protein; this information is not very predictive of pathogenicity. The variant occurs outside of the splicing consensus sequence and in silico or computational prediction software programs (SpliceSiteFinder, MaxEntScan, NNSPLICE, GeneSplicer) do not predict a difference in splicing. In summary, based on the above information the clinical significance of this variant cannot be determined with certainty at this time. This variant is classified as a variant of uncertain significance.